The following is an entry in ClinVar:

ClinVar aggregate classification (germline): Uncertain significance (1 of 4 stars; one submission).

gnomAD v4.1: 1 of 1,613,204 alleles (0.000062%); highest among the groups gnomAD compares: Non-Finnish European, 0.000085%; no homozygotes.

Submission:

Labcorp Genetics (formerly Invitae), Labcorp
Classification: Uncertain significance. Last evaluated: 2025-08-04. Review status: criteria provided, single submitter. Criteria: Invitae Variant Classification Sherloc (09022015). Collection method: clinical testing. Allele origin: germline.
Comment: This sequence change affects an acceptor splice site in intron 35 of the HMCN1 gene. It is expected to disrupt RNA splicing. Variants that disrupt the donor or acceptor splice site typically lead to a loss of protein function (PMID: 16199547), however the current clinical and genetic evidence is not sufficient to establish whether loss-of-function variants in HMCN1 cause disease. This variant is not present in population databases (gnomAD no frequency). This variant has not been reported in the literature in individuals affected with HMCN1-related conditions. Algorithms developed to predict the effect of sequence changes on RNA splicing suggest that this variant may disrupt the consensus splice site. In summary, the available evidence is currently insufficient to determine the role of this variant in disease. Therefore, it has been classified as a Variant of Uncertain Significance.

Literature cited by the submitters: PubMed 16199547.

NM_031935.3(HMCN1):c.5626-1G>C

Gene: HMCN1 (hemicentin 1; plus strand). Cytogenetic location: 1q31.1.
Variant type: single nucleotide variant.
Coding change: c.5626-1G>C on transcript NM_031935.3 (MANE Select); the canonical splice acceptor site of the intron before coding-DNA position 5626, G replaced by C.
Molecular consequence: splice acceptor variant.
Genome position (GRCh38, 1-based): chr1:186,023,029, G>C. VCF-style: chr1-186023029-G-C. GRCh37 (hg19) VCF-style: chr1-185992161-G-C.
Identifiers: ClinVar variation 4724107 (VCV004724107.1).
Genomic context (GRCh38, chr1:186,023,029, plus strand): 5'-GAATATTTTCAAATCCAAGTATAAGATACAAAAATCCTCTGTGCTTTCTGCTCCCAATTA[G>C]ATACAGTCTTCTGGTCGAGTTCTACAAATTGCCAAAACCCTGTTGGAAGATGCTGGCAGA-3'